The following is an entry in ClinVar:

ClinVar aggregate classification (germline): Benign/Likely benign. Review status: criteria provided, multiple submitters, no conflicts (2 of 4 stars). 5 submissions from 5 submitters: Benign (1); Likely benign (4). Last evaluated 2026-02-02.

Conditions:
Hereditary cancer-predisposing syndrome. Also called: Hereditary Cancer Syndrome; Hereditary neoplastic syndrome; Neoplastic Syndromes, Hereditary; Tumor predisposition. Identifiers: Orphanet 140162, MedGen C0027672, MeSH D009386, MONDO:0015356.
Oligodontia-cancer predisposition syndrome. Also called: TOOTH AGENESIS-COLORECTAL CANCER SYNDROME. Identifiers: Orphanet 300576, MedGen C1837750, MONDO:0012075, OMIM 608615. Disease mechanism: loss of function.

Allele frequency attached by ClinVar (database versions not stated): gnomAD exomes below 0.00001.
gnomAD v4.1: 3 of 1,610,738 alleles (0.00019%); highest among the groups gnomAD compares: East Asian, 0.0022%; no homozygotes.

Submissions (5):

Labcorp Genetics (formerly Invitae), Labcorp
Classification: Likely benign for Oligodontia-cancer predisposition syndrome. Last evaluated: 2026-02-02. Review status: criteria provided, single submitter. Criteria: Invitae Variant Classification Sherloc (09022015). Collection method: clinical testing. Allele origin: germline.

Myriad Genetics, Inc.
Classification: Benign for Oligodontia-cancer predisposition syndrome. Last evaluated: 2024-07-03. Review status: criteria provided, single submitter. Criteria: Myriad Autosomal Dominant, Autosomal Recessive and X-Linked Classification Criteria (2023). Collection method: clinical testing. Allele origin: unknown.
Comment: This variant is considered benign. This variant is a silent/synonymous amino acid change and it is not expected to impact splicing.

Quest Diagnostics Nichols Institute San Juan Capistrano
Classification: Likely benign. Last evaluated: 2023-09-16. Review status: criteria provided, single submitter. Criteria: Quest Diagnostics criteria. Collection method: clinical testing. Allele origin: unknown.

GeneDx
Classification: Likely benign. Last evaluated: 2020-10-21. Review status: criteria provided, single submitter. Criteria: GeneDx Variant Classification Process June 2021. Collection method: clinical testing. Allele origin: germline. Affected: yes.

Ambry Genetics
Classification: Likely benign for Hereditary cancer-predisposing syndrome. Last evaluated: 2019-10-07. Review status: criteria provided, single submitter. Criteria: Ambry Variant Classification Scheme 2023. Collection method: clinical testing. Allele origin: germline.

NM_004655.4(AXIN2):c.1470G>A (p.Ala490=)

Gene: AXIN2 (axin 2; minus strand). Cytogenetic location: 17q24.1.
Variant type: single nucleotide variant.
Coding change: c.1470G>A on transcript NM_004655.4 (MANE Select); coding-DNA position 1470, G replaced by A.
Protein change: p.Ala490=; no amino-acid change (alanine 490 retained).
Molecular consequence: synonymous variant.
Genome position (GRCh38, 1-based): chr17:65,537,566, C>T on the plus strand (G>A on the coding strand, the complement: AXIN2 is on the minus strand). VCF-style: chr17-65537566-C-T. GRCh37 (hg19) VCF-style: chr17-63533684-C-T.
Other names: c.1470G>A (LRG_296t1); c.1470G>A, p.Ala490= (NM_001363813.1).
Identifiers: ClinVar variation 408807 (VCV000408807.17), dbSNP rs1060502143, ClinGen allele CA16615914.